The following is an entry in ClinVar:

NM_002972.4(SBF1):c.4930C>A (p.Pro1644Thr)

Gene: SBF1 (SET binding factor 1; minus strand). Cytogenetic location: 22q13.33.
Variant type: single nucleotide variant.
Coding change: c.4930C>A on transcript NM_002972.4 (MANE Select); coding-DNA position 4930, C replaced by A.
Protein change: p.Pro1644Thr; replaces proline 1644 with threonine.
Molecular consequence: missense variant.
Genome position (GRCh38, 1-based): chr22:50,454,625, G>T on the plus strand (C>A on the coding strand, the complement: SBF1 is on the minus strand). VCF-style: chr22-50454625-G-T. GRCh37 (hg19) VCF-style: chr22-50893054-G-T.
Other names: c.4855C>A, p.Pro1619Thr (NM_001365819.1); c.4933C>A, p.Pro1645Thr (NM_001410794.1); c.4852C>A, p.Pro1618Thr (NM_001410795.1); short protein forms P1618T, P1644T, P1645T, P1619T.
Identifiers: ClinVar variation 3692170 (VCV003692170.2).

ClinVar aggregate classification (germline): Uncertain significance (1 of 4 stars; one submission).

Submission:

Labcorp Genetics (formerly Invitae), Labcorp
Classification: Uncertain significance. Last evaluated: 2024-07-02. Review status: criteria provided, single submitter. Criteria: Invitae Variant Classification Sherloc (09022015). Collection method: clinical testing. Allele origin: germline.
Comment: This sequence change replaces proline, which is neutral and non-polar, with threonine, which is neutral and polar, at codon 1644 of the SBF1 protein (p.Pro1644Thr). This variant is not present in population databases (gnomAD no frequency). This variant has not been reported in the literature in individuals affected with SBF1-related conditions. Advanced modeling of protein sequence and biophysical properties (such as structural, functional, and spatial information, amino acid conservation, physicochemical variation, residue mobility, and thermodynamic stability) performed at Invitae indicates that this missense variant is not expected to disrupt SBF1 protein function with a negative predictive value of 80%. In summary, the available evidence is currently insufficient to determine the role of this variant in disease. Therefore, it has been classified as a Variant of Uncertain Significance.